The following is an entry in ClinVar:

ClinVar aggregate classification (germline): Pathogenic. Review status: criteria provided, multiple submitters, no conflicts (2 of 4 stars). 8 submissions from 8 submitters: Pathogenic (6). 2 of the submissions do not count toward it. Last evaluated 2025-08-07.

Conditions:
Hereditary cancer-predisposing syndrome. Also called: Hereditary Cancer Syndrome; Hereditary neoplastic syndrome; Neoplastic Syndromes, Hereditary; Tumor predisposition. Identifiers: Orphanet 140162, MedGen C0027672, MeSH D009386, MONDO:0015356.
Familial multiple polyposis syndrome (FAP). Also called: Familial intestinal polyposis; Classic familial adenomatous polyposis; Familial adenomatous polyposis; Familial Adenomatous Polyposis (FAP); Familial polyposis. Identifiers: Orphanet 733, MedGen C0032580, MONDO:0021055. Disease mechanism: loss of function.
Familial adenomatous polyposis 1 (FAP1). Also called: FAMILIAL ADENOMATOUS POLYPOSIS 1, ATTENUATED; POLYPOSIS, ADENOMATOUS INTESTINAL. Identifiers: MedGen C2713442, MONDO:0021056, OMIM 175100. Disease mechanism: loss of function.

Allele frequency attached by ClinVar (database versions not stated): gnomAD exomes below 0.00001.

Submissions (8):

Labcorp Genetics (formerly Invitae), Labcorp
Classification: Pathogenic for Familial adenomatous polyposis 1. Last evaluated: 2025-08-07. Review status: criteria provided, single submitter. Criteria: Invitae Variant Classification Sherloc (09022015). Collection method: clinical testing. Allele origin: germline.
Comment: This sequence change creates a premature translational stop signal (p.Gln163*) in the APC gene. It is expected to result in an absent or disrupted protein product. Loss-of-function variants in APC are known to be pathogenic (PMID: 17963004, 20685668). This variant is not present in population databases (gnomAD no frequency). This premature translational stop signal has been observed in individual(s) with colonic adenomas and colorectal cancer (PMID: 9585611). ClinVar contains an entry for this variant (Variation ID: 217991). Algorithms developed to predict the effect of sequence changes on RNA splicing suggest that this variant may disrupt the consensus splice site. For these reasons, this variant has been classified as Pathogenic.

Color Diagnostics, LLC DBA Color Health
Classification: Pathogenic for Hereditary cancer-predisposing syndrome. Last evaluated: 2024-12-11. Review status: criteria provided, single submitter. Criteria: ACMG Guidelines, 2015. Collection method: clinical testing. Allele origin: germline.
Comment: This variant changes 1 nucleotide in exon 5 of the APC gene, creating a premature translation stop signal. This variant is expected to result in an absent or non-functional protein product. To our knowledge, functional studies have not been reported for this variant. This variant has been reported in individuals and families affected with familial adenomatous polyposis (FAP) and attenuated familial adenomatous polyposis (AFAP)(PMID: 9585611, 11247895, 16461775, 19701947, 33134403). This variant has not been identified in the general population by the Genome Aggregation Database (gnomAD). Loss of APC function is a known mechanism of disease. Based on the available evidence, this variant is classified as Pathogenic.

GeneDx
Classification: Pathogenic. Last evaluated: 2024-07-25. Review status: criteria provided, single submitter. Criteria: GeneDx Variant Classification Process June 2021. Collection method: clinical testing. Allele origin: germline. Affected: yes.
Comment: Nonsense variant predicted to result in protein truncation or nonsense mediated decay in a gene for which loss of function is a known mechanism of disease; Not observed at significant frequency in large population cohorts (gnomAD); This variant is associated with the following publications: (PMID: 18829530, 25525159, 11960572, 16461775, 28199314, 9585611, 15300853, 18782851, 23159591, 11247895, 20685668, 17963004)

Ambry Genetics
Classification: Pathogenic for Hereditary cancer-predisposing syndrome. Last evaluated: 2024-05-01. Review status: criteria provided, single submitter. Criteria: Ambry Variant Classification Scheme 2023. Collection method: clinical testing. Allele origin: germline.
Comment: The p.Q163* pathogenic mutation (also known as c.487C>T), located in exon 4 of the APC gene, results from a C to T substitution at nucleotide position 487. This changes the amino acid from a glutamine to a stop codon within exon 4. This variant has been reported in multiple individuals with features consistent with APC-associated polyposis conditions (Abrams HR et al. ACG Case Rep J. 2020 Oct;7(10):e00469; Ambry internal data). This mutation was also identified in six members of a family with hereditary predisposition to colonic adenomas and colorectal cancer. This variant is considered to be rare based on population cohorts in the Genome Aggregation Database (gnomAD). In addition to the clinical data presented in the literature, this alteration is expected to result in loss of function by premature protein truncation or nonsense-mediated mRNA decay. As such, this alteration is interpreted as a disease-causing mutation.

Myriad Genetics, Inc.
Classification: Pathogenic for Familial adenomatous polyposis 1. Last evaluated: 2023-04-26. Review status: criteria provided, single submitter. Criteria: Myriad Autosomal Dominant, Autosomal Recessive and X-Linked Classification Criteria (2023). Collection method: clinical testing. Allele origin: unknown.
Comment: This variant is considered pathogenic. This variant creates a termination codon and is predicted to result in premature protein truncation.

Women's Health and Genetics/Laboratory Corporation of America, LabCorp
Classification: Pathogenic for Familial multiple polyposis syndrome. Last evaluated: 2021-04-08. Review status: criteria provided, single submitter. Criteria: LabCorp Variant Classification Summary - May 2015. Collection method: clinical testing. Allele origin: germline.
Comment: Variant summary: APC c.487C>T (p.Gln163X) results in a premature termination codon, predicted to cause a truncation of the encoded protein or absence of the protein due to nonsense mediated decay, which are commonly known mechanisms for disease. Truncations downstream of this position have been classified as pathogenic by our laboratory. The variant was absent in 245984 control chromosomes. c.487C>T has been reported in the literature in multiple individuals affected with Familial Adenomatous Polyposis (example, Scott_2001, Soravia_1998, Sieber_2006). These data indicate that the variant is very likely to be associated with disease. To our knowledge, no experimental evidence demonstrating an impact on protein function has been reported. Three clinical diagnostic laboratories have submitted clinical-significance assessments for this variant to ClinVar after 2014 without evidence for independent evaluation. All laboratories classified the variant as pathogenic. Based on the evidence outlined above, the variant was classified as pathogenic.

Department of Pathology and Laboratory Medicine, Sinai Health System
Classification: Uncertain significance. Review status: no assertion criteria provided. Collection method: clinical testing. Allele origin: unknown. Affected: yes. Observed: 1 variant allele. Study: The Canadian Open Genetics Repository (COGR). Not counted in ClinVar's aggregate classification.

Mayo Clinic Laboratories, Mayo Clinic
Classification: Pathogenic. Review status: no assertion criteria provided. Collection method: clinical testing. Allele origin: unknown. Not counted in ClinVar's aggregate classification.

Literature cited by the submitters: PubMed 17963004 (cited by Labcorp Genetics (formerly Invitae), Labcorp); PubMed 20685668 (cited by Labcorp Genetics (formerly Invitae), Labcorp); PubMed 9585611 (cited by 4 submitters); PubMed 11247895 (cited by Color Diagnostics, LLC DBA Color Health and Women's Health and Genetics/Laboratory Corporation of America, LabCorp); PubMed 16461775 (cited by Color Diagnostics, LLC DBA Color Health and Women's Health and Genetics/Laboratory Corporation of America, LabCorp); PubMed 19701947 (cited by Color Diagnostics, LLC DBA Color Health); PubMed 33134403 (cited by Color Diagnostics, LLC DBA Color Health and Ambry Genetics); PubMed 15300853 (cited by Ambry Genetics).

NM_000038.6(APC):c.487C>T (p.Gln163Ter)

Gene: APC (APC regulator of Wnt signaling pathway; plus strand). Cytogenetic location: 5q22.2.
Variant type: single nucleotide variant.
Coding change: c.487C>T on transcript NM_000038.6 (MANE Select); coding-DNA position 487, C replaced by T.
Protein change: p.Gln163Ter; replaces glutamine 163 with a stop codon.
Molecular consequence: nonsense. On other transcripts: 5 prime UTR variant (1).
Genome position (GRCh38, 1-based): chr5:112,775,693, C>T. VCF-style: chr5-112775693-C-T. GRCh37 (hg19) VCF-style: chr5-112111390-C-T.
Other names: c.487C>T, p.Gln163Ter (NM_001127510.3, NM_001354895.2, NM_001354896.2 and 2 more transcripts); c.517C>T, p.Gln173Ter (NM_001127511.3, NM_001354897.2, NM_001354902.2); c.412C>T, p.Gln138Ter (NM_001354898.2, NM_001354904.2); c.310C>T, p.Gln104Ter (NM_001354900.2, NM_001354901.2, NM_001354905.2); c.-549C>T (NM_001354906.2); short protein forms Q163*, Q173*, Q138*, Q104*.
Identifiers: ClinVar variation 217991 (VCV000217991.30), dbSNP rs863225362, ClinGen allele CA279721.